The following is an entry in ClinVar:

NM_001142800.2(EYS):c.3314G>T (p.Cys1105Phe)

Gene: EYS (EGF-like photoreceptor maintenance factor; minus strand). Cytogenetic location: 6q12.
Variant type: single nucleotide variant.
Coding change: c.3314G>T on transcript NM_001142800.2 (MANE Select); coding-DNA position 3314, G replaced by T.
Protein change: p.Cys1105Phe; replaces cysteine 1105 with phenylalanine.
Molecular consequence: missense variant.
Genome position (GRCh38, 1-based): chr6:64,813,507, C>A on the plus strand (G>T on the coding strand, the complement: EYS is on the minus strand). VCF-style: chr6-64813507-C-A. GRCh37 (hg19) VCF-style: chr6-65523400-C-A.
Other names: c.3314G>T (NM_001142800.1); c.3314G>T, p.Cys1105Phe (NM_001292009.2); short protein forms C1105F.
Identifiers: ClinVar variation 1349683 (VCV001349683.6), dbSNP rs966564796, ClinGen allele CA140368138.

ClinVar aggregate classification (germline): Uncertain significance. Review status: criteria provided, multiple submitters, no conflicts (2 of 4 stars). 3 submissions from 3 submitters: Uncertain significance (3). Last evaluated 2023-08-17.

Conditions:
Inborn genetic diseases. Identifiers: MedGen C0950123, MeSH D030342.

Allele frequency attached by ClinVar (database versions not stated): gnomAD exomes 0.00001 and 0.00005; gnomAD 0.00003 and 0.00004; TOPMed 0.00003.
gnomAD v4.1: 16 of 1,550,330 alleles (0.001%); highest among the groups gnomAD compares: Admixed American, 0.026%; no homozygotes.

Submissions (3):

Labcorp Genetics (formerly Invitae), Labcorp
Classification: Uncertain significance. Last evaluated: 2023-08-17. Review status: criteria provided, single submitter. Criteria: Invitae Variant Classification Sherloc (09022015). Collection method: clinical testing. Allele origin: germline.
Comment: This variant has not been reported in the literature in individuals affected with EYS-related conditions. This sequence change replaces cysteine, which is neutral and slightly polar, with phenylalanine, which is neutral and non-polar, at codon 1105 of the EYS protein (p.Cys1105Phe). This variant is present in population databases (no rsID available, gnomAD 0.03%). ClinVar contains an entry for this variant (Variation ID: 1349683). Algorithms developed to predict the effect of missense changes on protein structure and function output the following: SIFT: "Not Available"; PolyPhen-2: "Probably Damaging"; Align-GVGD: "Not Available". The phenylalanine amino acid residue is found in multiple mammalian species, which suggests that this missense change does not adversely affect protein function. In summary, the available evidence is currently insufficient to determine the role of this variant in disease. Therefore, it has been classified as a Variant of Uncertain Significance.

Ambry Genetics
Classification: Uncertain significance for Inborn genetic diseases. Last evaluated: 2023-05-23. Review status: criteria provided, single submitter. Criteria: Ambry Variant Classification Scheme 2023. Collection method: clinical testing. Allele origin: germline.

Blueprint Genetics
Classification: Uncertain significance. Last evaluated: 2021-10-17. Review status: criteria provided, single submitter. Criteria: ACMG Guidelines, 2015. Collection method: clinical testing. Allele origin: germline.